The following is an entry in ClinVar:

NM_001127208.3(TET2):c.1045G>A (p.Gly349Ser)

Genes: TET2 (tet methylcytosine dioxygenase 2; plus strand), TET2-AS1 (TET2 antisense RNA 1; minus strand). Cytogenetic location: 4q24.
Variant type: single nucleotide variant.
Coding change: c.1045G>A on transcript NM_001127208.3 (MANE Select); coding-DNA position 1045, G replaced by A.
Protein change: p.Gly349Ser; replaces glycine 349 with serine.
Molecular consequence: missense variant.
Genome position (GRCh38, 1-based): chr4:105,234,987, G>A. VCF-style: chr4-105234987-G-A. GRCh37 (hg19) VCF-style: chr4-106156144-G-A.
Other names: c.1045G>A, p.Gly349Ser (NM_017628.4); short protein forms G349S.
Identifiers: ClinVar variation 3967563 (VCV003967563.1).

ClinVar aggregate classification (germline): Uncertain significance (1 of 4 stars; one submission).

Submission:

Ambry Genetics
Classification: Uncertain significance. Last evaluated: 2025-04-16. Review status: criteria provided, single submitter. Criteria: Ambry Variant Classification Scheme 2023. Collection method: clinical testing. Allele origin: germline.
Comment: The p.G349S variant (also known as c.1045G>A), located in coding exon 1 of the TET2 gene, results from a G to A substitution at nucleotide position 1045. The glycine at codon 349 is replaced by serine, an amino acid with similar properties. This amino acid position is conserved. In addition, this alteration is predicted to be tolerated by in silico analysis. Based on the available evidence, the clinical significance of this variant remains unclear.